The following is an entry in ClinVar:

NM_138694.4(PKHD1):c.7170T>C (p.Thr2390=)

Gene: PKHD1 (PKHD1 ciliary IPT domain containing fibrocystin/polyductin; minus strand). Cytogenetic location: 6p12.2.
Variant type: single nucleotide variant.
Coding change: c.7170T>C on transcript NM_138694.4 (MANE Select); coding-DNA position 7170, T replaced by C.
Protein change: p.Thr2390=; no amino-acid change (threonine 2390 retained).
Molecular consequence: synonymous variant.
Genome position (GRCh38, 1-based): chr6:51,885,912, A>G on the plus strand (T>C on the coding strand, the complement: PKHD1 is on the minus strand). VCF-style: chr6-51885912-A-G. GRCh37 (hg19) VCF-style: chr6-51750710-A-G.
Other names: c.7170T>C, p.Thr2390= (NM_170724.3).
Identifiers: ClinVar variation 595403 (VCV000595403.18), dbSNP rs368101035, ClinGen allele CA3852027.

ClinVar aggregate classification (germline): Conflicting classifications of pathogenicity. Review status: criteria provided, conflicting classifications (1 of 4 stars). 4 submissions from 4 submitters: Uncertain significance (1); Likely benign (2). 1 of the submissions does not count toward it. Last evaluated 2026-01-20.

Conditions:
PKHD1-related disorder. Also called: PKHD1-related condition.
Autosomal recessive polycystic kidney disease (ARPKD). Also called: AR polycystic kidney disease. Identifiers: Orphanet 731, Orphanet 8378, MedGen C0085548, MeSH D017044, MONDO:0009889.

Allele frequency attached by ClinVar (database versions not stated): gnomAD exomes 0.00001 and 0.00003; ExAC 0.00002; ESP Exome Variant Server 0.00015; gnomAD 0.00018 and 0.00020; TOPMed 0.00021.
gnomAD v4.1: 45 of 1,613,460 alleles (0.0028%); highest among the groups gnomAD compares: African/African-American, 0.053%; no homozygotes.

Submissions (4):

Labcorp Genetics (formerly Invitae), Labcorp
Classification: Likely benign for Autosomal recessive polycystic kidney disease. Last evaluated: 2026-01-20. Review status: criteria provided, single submitter. Criteria: Invitae Variant Classification Sherloc (09022015). Collection method: clinical testing. Allele origin: germline.

GeneDx
Classification: Likely benign. Last evaluated: 2020-04-24. Review status: criteria provided, single submitter. Criteria: GeneDx Variant Classification Process June 2021. Collection method: clinical testing. Allele origin: germline. Affected: yes.

Eurofins Ntd Llc (ga)
Classification: Uncertain significance. Last evaluated: 2017-12-12. Review status: criteria provided, single submitter. Criteria: EGL Classification Definitions 2015. Collection method: clinical testing. Allele origin: germline. Observed: 1 variant allele, 1 heterozygote.

PreventionGenetics, part of Exact Sciences
Classification: Likely benign for PKHD1-related condition. Last evaluated: 2021-05-20. Review status: no assertion criteria provided. Collection method: clinical testing. Allele origin: germline. Not counted in ClinVar's aggregate classification.
Comment: This variant is classified as likely benign based on ACMG/AMP sequence variant interpretation guidelines (Richards et al. 2015 PMID: 25741868, with internal and published modifications).